The following is an entry in ClinVar:

NM_015910.7(WDPCP):c.916G>C (p.Val306Leu)

Gene: WDPCP (WD repeat containing planar cell polarity effector; minus strand). Cytogenetic location: 2p15.
Variant type: single nucleotide variant.
Coding change: c.916G>C on transcript NM_015910.7 (MANE Select); coding-DNA position 916, G replaced by C.
Protein change: p.Val306Leu; replaces valine 306 with leucine.
Molecular consequence: missense variant. On other transcripts: non-coding transcript variant (3).
Genome position (GRCh38, 1-based): chr2:63,404,567, C>G on the plus strand (G>C on the coding strand, the complement: WDPCP is on the minus strand). VCF-style: chr2-63404567-C-G. GRCh37 (hg19) VCF-style: chr2-63631702-C-G.
Other names: c.439G>C, p.Val147Leu (NM_001042692.3); c.844G>C, p.Val282Leu (NM_001354044.2); c.916G>C, p.Val306Leu (NM_001354045.2); short protein forms V282L, V306L, V147L.
Identifiers: ClinVar variation 4977844 (VCV004977844.1).

ClinVar aggregate classification (germline): Uncertain significance (1 of 4 stars; one submission).

Conditions:
WDPCP-related disorder. Also called: WDPCP-related condition.

gnomAD v4.1: 5 of 1,613,946 alleles (0.00031%); highest among the groups gnomAD compares: Non-Finnish European, 0.00042%; no homozygotes.

Submission:

PreventionGenetics, part of Exact Sciences
Classification: Uncertain significance for WDPCP-related condition. Last evaluated: 2024-10-08. Review status: criteria provided, single submitter. Criteria: ACMG Guidelines, 2015. Collection method: clinical testing. Allele origin: germline.
Comment: The WDPCP c.916G>C variant is predicted to result in the amino acid substitution p.Val306Leu. To our knowledge, this variant has not been reported in the literature or in a large population database (gnomAD), indicating this variant is rare. At this time, the clinical significance of this variant is uncertain due to the absence of conclusive functional and genetic evidence.